The following is an entry in ClinVar:

NM_002335.4(LRP5):c.3723A>G (p.Pro1241=)

Gene: LRP5 (LDL receptor related protein 5; plus strand). Cytogenetic location: 11q13.2.
Variant type: single nucleotide variant.
Coding change: c.3723A>G on transcript NM_002335.4 (MANE Select); coding-DNA position 3723, A replaced by G.
Protein change: p.Pro1241=; no amino-acid change (proline 1241 retained).
Molecular consequence: synonymous variant.
Genome position (GRCh38, 1-based): chr11:68,429,660, A>G. VCF-style: chr11-68429660-A-G. GRCh37 (hg19) VCF-style: chr11-68197128-A-G.
Other names: c.1980A>G, p.Pro660= (NM_001291902.2).
Identifiers: ClinVar variation 597289 (VCV000597289.50), dbSNP rs139554243, ClinGen allele CA6150082.
Genomic context (GRCh38, chr11:68,429,660, plus strand): 5'-TGGTGGCTGCTCCCACATCTGTATTGCCAAGGGTGATGGGACACCACGGTGCTCATGCCC[A>G]GTCCACCTCGTGCTCCTGCAGAACCTGCTGACCTGTGGAGGTAGGTGTGACCTAGGTGCT-3'
Protein context (NP_002326.2, residues 1231-1251): KGDGTPRCSC[Pro1241=]VHLVLLQNLL

ClinVar aggregate classification (germline): Benign/Likely benign. Review status: criteria provided, multiple submitters, no conflicts (2 of 4 stars). 10 submissions from 10 submitters: Benign (2); Likely benign (5). 3 of the submissions do not count toward it. Last evaluated 2026-02-01.

Conditions:
Exudative vitreoretinopathy 1 (EVR1). Also called: FEVR, AUTOSOMAL DOMINANT; Familial exudative vitreoretinopathy, autosomal dominant; CRISWICK-SCHEPENS SYNDROME. Identifiers: Orphanet 891, Orphanet 90050, MedGen C1851402, MONDO:0007589, OMIM 133780.
Worth disease. Also called: Autosomal dominant osteosclerosis, Worth type; OSTEOSCLEROSIS, AUTOSOMAL DOMINANT; ENDOSTEAL HYPEROSTOSIS, AUTOSOMAL DOMINANT. Identifiers: Orphanet 2790, MedGen C0432273, MONDO:0007764, OMIM 144750.
Osteoporosis. Identifiers: MedGen C0029456, MONDO:0005298, OMIM 166710, HP:0000939.
Osteoporosis with pseudoglioma (OPPG). Also called: osteoporosis-pseudoglioma syndrome. Identifiers: Orphanet 2788, MedGen C0432252, MONDO:0009820, OMIM 259770.
Bone mineral density quantitative trait locus 1 (BMND1). Identifiers: MedGen C1866079, OMIM 601884.
Polycystic liver disease 4 with or without kidney cysts. Identifiers: MedGen C4693479, MONDO:0044327, OMIM 617875.
Autosomal dominant osteopetrosis 1 (OPTA1). Also called: OSTEOPETROSIS, AUTOSOMAL DOMINANT, TYPE I. Identifiers: Orphanet 2783, MedGen C1843330, MONDO:0011877, OMIM 607634.
Exudative vitreoretinopathy 4 (EVR4). Identifiers: Orphanet 891, MedGen C1866176, MONDO:0011151, OMIM 601813.
Osteogenesis imperfecta (OI). Identifiers: Orphanet 666, MedGen C0029434, MeSH D010013, MONDO:0019019.

Allele frequency attached by ClinVar (database versions not stated): 1000 Genomes Project 30x 0.00062; TOPMed 0.00068; 1000 Genomes Project 0.00080; ESP Exome Variant Server 0.00092; gnomAD 0.00096 and 0.00100; ExAC 0.00176.
gnomAD v4.1: 2,044 of 1,614,174 alleles (0.13%); highest among the groups gnomAD compares: Non-Finnish European, 0.14%; 2 homozygotes.

Submissions (10):

Labcorp Genetics (formerly Invitae), Labcorp
Classification: Benign. Last evaluated: 2026-02-01. Review status: criteria provided, single submitter. Criteria: Invitae Variant Classification Sherloc (09022015). Collection method: clinical testing. Allele origin: germline.

Women's Health and Genetics/Laboratory Corporation of America, LabCorp
Classification: Benign. Last evaluated: 2024-12-06. Review status: criteria provided, single submitter. Criteria: LabCorp Variant Classification Summary - May 2015. Collection method: clinical testing. Allele origin: germline.

Blueprint Genetics
Classification: Likely benign. Last evaluated: 2024-11-22. Review status: criteria provided, single submitter. Criteria: ACMG Guidelines, 2015. Collection method: clinical testing. Allele origin: germline.

CeGaT Center for Human Genetics Tuebingen
Classification: Likely benign. Last evaluated: 2022-07-01. Review status: criteria provided, single submitter. Criteria: CeGaT Center For Human Genetics Tuebingen Variant Classification Criteria Version 2. Collection method: clinical testing. Allele origin: germline. Affected: yes. Observed: 1 variant allele.
Comment: LRP5: BP4, BP7

Genome Diagnostics Laboratory, The Hospital for Sick Children
Classification: Likely benign for Osteogenesis imperfecta. Last evaluated: 2022-02-23. Review status: criteria provided, single submitter. Criteria: ACMG Guidelines, 2015. Collection method: clinical testing. Allele origin: germline.

Fulgent Genetics
Classification: Likely benign for Exudative vitreoretinopathy 1; Worth disease; Osteoporosis; Osteoporosis with pseudoglioma; Exudative vitreoretinopathy 4; Bone mineral density quantitative trait locus 1; Autosomal dominant osteopetrosis 1; Polycystic liver disease 4 with or without kidney cysts. Last evaluated: 2021-11-09. Review status: criteria provided, single submitter. Criteria: ACMG Guidelines, 2015. Collection method: clinical testing. Allele origin: unknown.

Eurofins Ntd Llc (ga)
Classification: Likely benign. Last evaluated: 2018-06-01. Review status: criteria provided, single submitter. Criteria: EGL ClinVar v180209 classification definitions. Collection method: clinical testing. Allele origin: germline. Observed: 1 variant allele, 1 heterozygote.

Clinical Genetics DNA and cytogenetics Diagnostics Lab, Erasmus MC, Erasmus Medical Center
Classification: Likely benign. Review status: no assertion criteria provided. Collection method: clinical testing. Allele origin: germline. Affected: yes. Study: VKGL Data-share Consensus. Not counted in ClinVar's aggregate classification.

Clinical Genetics, Academic Medical Center
Classification: Benign. Review status: no assertion criteria provided. Collection method: clinical testing. Allele origin: germline. Affected: yes. Study: VKGL Data-share Consensus. Not counted in ClinVar's aggregate classification.

Genome Diagnostics Laboratory, Amsterdam University Medical Center
Classification: Likely benign. Review status: no assertion criteria provided. Collection method: clinical testing. Allele origin: germline. Affected: yes. Study: VKGL Data-share Consensus. Not counted in ClinVar's aggregate classification.

Literature cited by the submitters: PubMed 15824851 (cited by Women's Health and Genetics/Laboratory Corporation of America, LabCorp).